The following is an entry in ClinVar:

NM_001148.6(ANK2):c.11860-3214A>G

Gene: ANK2 (ankyrin 2; plus strand). Cytogenetic location: 4q26.
Variant type: single nucleotide variant.
Coding change: c.11860-3214A>G on transcript NM_001148.6 (MANE Select); 3214 bases into the intron before coding-DNA position 11860, A replaced by G.
Molecular consequence: intron variant.
Genome position (GRCh38, 1-based): chr4:113,378,243, A>G. VCF-style: chr4-113378243-A-G. GRCh37 (hg19) VCF-style: chr4-114299399-A-G.
Other names: c.5311-3214A>G (NM_001354272.2); c.5632-3214A>G (NM_001354244.2, NM_001386160.1); c.5539-3214A>G (NM_001354256.2, NM_001386161.1); c.5578-3214A>G (NM_001127493.3); c.5818-3214A>G (NM_001386143.1); c.5635-3214A>G (NM_001354243.2); c.5542-3214A>G (NM_001354255.2); c.5443-3214A>G (NM_001354262.2); and 57 more.
Identifiers: ClinVar variation 1342361 (VCV001342361.1), dbSNP rs2154083923, ClinGen allele CA2573052289.
Genomic context (GRCh38, chr4:113,378,243, plus strand): 5'-TTTGGGTTAGCATGGGGTGATGCTTTGCCAACTAACACCATAAAAATTTTTCCAATTTTA[A>G]GAAAAGAAGGGGAGAATCCCTACATCTACCCTAAAGAGGATAGAAAACTGCCTACTCTCC-3'

ClinVar aggregate classification (germline): Uncertain significance (1 of 4 stars; one submission).

Conditions:
ANK2-associated Neurodevelopmental Disorder.

Submission:

New York Genome Center
Classification: Uncertain significance for ANK2-associated Neurodevelopmental Disorder. Last evaluated: 2021-03-05. Review status: criteria provided, single submitter. Criteria: NYGC Assertion Criteria 2020. Collection method: clinical testing. Allele origin: germline. Observed: 1 heterozygote. Study: CSER-NYCKidSeq.
Comment: The deep intronic c.11860-3214A>G variant identified in the ANK2 gene is a deep intronic variant within intron 45/45. This variant is absent from gnomAD(v3.1) suggesting it is not a common benign variant in the populations represented in that database. SpliceAI score suggests this variant probably leads to the creation of a splice acceptor site 1 base pair downstream of the variant (delta score 0.83). The Transcript Inferred Pathogenicity (TraP) Score for this variant is 0.161 which is between 75-90% score-percentile, suggesting a moderate possibility that this variant alters splicing. This variant is absent from ClinVar and to our current knowledge has not been reported in affected individuals in the literature. Given the lack of compelling evidence for its pathogenicity, the deep intronic c.11860-3214A>G variant identified in the ANK2 gene is reported as a Variant of Uncertain Significance.